The following is an entry in ClinVar:

NM_006623.4(PHGDH):c.758A>G (p.Gln253Arg)

Gene: PHGDH (phosphoglycerate dehydrogenase; plus strand). Cytogenetic location: 1p12.
Variant type: single nucleotide variant.
Coding change: c.758A>G on transcript NM_006623.4 (MANE Select); coding-DNA position 758, A replaced by G.
Protein change: p.Gln253Arg; replaces glutamine 253 with arginine.
Molecular consequence: missense variant.
Genome position (GRCh38, 1-based): chr1:119,735,409, A>G. VCF-style: chr1-119735409-A-G. GRCh37 (hg19) VCF-style: chr1-120278032-A-G.
Other names: short protein forms Q253R.
Identifiers: ClinVar variation 1412495 (VCV001412495.5), dbSNP rs1026407182, ClinGen allele CA30260304.

ClinVar aggregate classification (germline): Uncertain significance (1 of 4 stars; one submission).

Conditions:
PHGDH deficiency. Identifiers: Orphanet 79351, MedGen C1866174, MONDO:0011152, OMIM 601815.

Allele frequency attached by ClinVar (database versions not stated): gnomAD 0.00001; gnomAD exomes 0.00001; TOPMed 0.00002.
gnomAD v4.1: 20 of 1,613,908 alleles (0.0012%); highest among the groups gnomAD compares: Admixed American, 0.005%; no homozygotes.

Submission:

Labcorp Genetics (formerly Invitae), Labcorp
Classification: Uncertain significance for PHGDH deficiency. Last evaluated: 2022-08-09. Review status: criteria provided, single submitter. Criteria: Invitae Variant Classification Sherloc (09022015). Collection method: clinical testing. Allele origin: germline.
Comment: This sequence change replaces glutamine, which is neutral and polar, with arginine, which is basic and polar, at codon 253 of the PHGDH protein (p.Gln253Arg). This variant is present in population databases (no rsID available, gnomAD 0.003%). This variant has not been reported in the literature in individuals affected with PHGDH-related conditions. ClinVar contains an entry for this variant (Variation ID: 1412495). Algorithms developed to predict the effect of missense changes on protein structure and function output the following: SIFT: "Tolerated"; PolyPhen-2: "Benign"; Align-GVGD: "Class C0". The arginine amino acid residue is found in multiple mammalian species, which suggests that this missense change does not adversely affect protein function. In summary, the available evidence is currently insufficient to determine the role of this variant in disease. Therefore, it has been classified as a Variant of Uncertain Significance.